The following is an entry in ClinVar:

ClinVar aggregate classification (germline): Uncertain significance (1 of 4 stars; one submission).

gnomAD v4.1: 1 of 1,613,988 alleles (0.000062%); no homozygotes.

Submission:

GeneDx
Classification: Uncertain significance. Last evaluated: 2024-03-23. Review status: criteria provided, single submitter. Criteria: GeneDx Variant Classification Process June 2021. Collection method: clinical testing. Allele origin: germline. Affected: yes.
Comment: Not observed at significant frequency in large population cohorts (gnomAD); In silico analysis supports that this missense variant does not alter protein structure/function; Has not been previously published as pathogenic or benign to our knowledge

NM_001348768.2(HECW2):c.2626G>A (p.Glu876Lys)

Gene: HECW2 (HECT, C2 and WW domain containing E3 ubiquitin protein ligase 2; minus strand). Cytogenetic location: 2q32.3.
Variant type: single nucleotide variant.
Coding change: c.2626G>A on transcript NM_001348768.2 (MANE Select); coding-DNA position 2626, G replaced by A.
Protein change: p.Glu876Lys; replaces glutamic acid 876 with lysine.
Molecular consequence: missense variant.
Genome position (GRCh38, 1-based): chr2:196,307,193, C>T on the plus strand (G>A on the coding strand, the complement: HECW2 is on the minus strand). VCF-style: chr2-196307193-C-T. GRCh37 (hg19) VCF-style: chr2-197171917-C-T.
Other names: c.1558G>A, p.Glu520Lys (NM_001304840.3); c.2626G>A, p.Glu876Lys (NM_020760.4); short protein forms E520K, E876K.
Identifiers: ClinVar variation 3371516 (VCV003371516.1).